The following is an entry in ClinVar:

ClinVar aggregate classification (germline): Uncertain significance (1 of 4 stars; one submission).

Submission:

GeneDx
Classification: Uncertain significance. Last evaluated: 2022-04-07. Review status: criteria provided, single submitter. Criteria: GeneDx Variant Classification Process June 2021. Collection method: clinical testing. Allele origin: germline. Affected: yes.
Comment: Not observed at significant frequency in large population cohorts (gnomAD); In silico analysis supports that this missense variant does not alter protein structure/function; Has not been previously published as pathogenic or benign to our knowledge

NM_005215.4(DCC):c.3238A>T (p.Ile1080Phe)

Gene: DCC (DCC netrin 1 receptor; plus strand). Cytogenetic location: 18q21.2.
Variant type: single nucleotide variant.
Coding change: c.3238A>T on transcript NM_005215.4 (MANE Select); coding-DNA position 3238, A replaced by T.
Protein change: p.Ile1080Phe; replaces isoleucine 1080 with phenylalanine.
Molecular consequence: missense variant.
Genome position (GRCh38, 1-based): chr18:53,450,508, A>T. VCF-style: chr18-53450508-A-T. GRCh37 (hg19) VCF-style: chr18-50976878-A-T.
Other names: short protein forms I1080F.
Identifiers: ClinVar variation 1708738 (VCV001708738.2), dbSNP rs906133735, ClinGen allele CA402515557.